The following is an entry in ClinVar:

NM_000532.5(PCCB):c.128G>A (p.Arg43His)

Gene: PCCB (propionyl-CoA carboxylase subunit beta; plus strand). Cytogenetic location: 3q22.3.
Variant type: single nucleotide variant.
Coding change: c.128G>A on transcript NM_000532.5 (MANE Select); coding-DNA position 128, G replaced by A.
Protein change: p.Arg43His; replaces arginine 43 with histidine.
Molecular consequence: missense variant.
Genome position (GRCh38, 1-based): chr3:136,250,503, G>A. VCF-style: chr3-136250503-G-A. GRCh37 (hg19) VCF-style: chr3-135969345-G-A.
Other names: c.128G>A, p.Arg43His (NM_001178014.2); short protein forms R43H.
Identifiers: ClinVar variation 1387528 (VCV001387528.6), dbSNP rs1941481863, ClinGen allele CA354738047.

ClinVar aggregate classification (germline): Uncertain significance (1 of 4 stars; one submission).

Conditions:
Propionic acidemia (PROP). Also called: GLYCINEMIA, KETOTIC; HYPERGLYCINEMIA WITH KETOACIDOSIS AND LEUKOPENIA; KETOTIC HYPERGLYCINEMIA. Identifiers: Orphanet 35, MedGen C0268579, MONDO:0011628, OMIM 606054, HP:0003571.

Allele frequency attached by ClinVar (database versions not stated): gnomAD exomes below 0.00001; TOPMed below 0.00001; gnomAD 0.00001.

Submission:

Labcorp Genetics (formerly Invitae), Labcorp
Classification: Uncertain significance for Propionic acidemia. Last evaluated: 2021-09-12. Review status: criteria provided, single submitter. Criteria: Invitae Variant Classification Sherloc (09022015). Collection method: clinical testing. Allele origin: germline.
Comment: This sequence change replaces arginine with histidine at codon 43 of the PCCB protein (p.Arg43His). The arginine residue is highly conserved and there is a small physicochemical difference between arginine and histidine. This variant is not present in population databases (ExAC no frequency). This variant has not been reported in the literature in individuals affected with PCCB-related conditions. Algorithms developed to predict the effect of missense changes on protein structure and function (SIFT, PolyPhen-2, Align-GVGD) all suggest that this variant is likely to be disruptive. In summary, the available evidence is currently insufficient to determine the role of this variant in disease. Therefore, it has been classified as a Variant of Uncertain Significance.